The following is an entry in ClinVar:

NM_003776.4(MRPL40):c.269C>T (p.Thr90Ile)

Gene: MRPL40 (mitochondrial ribosomal protein L40; plus strand). Cytogenetic location: 22q11.21.
Variant type: single nucleotide variant.
Coding change: c.269C>T on transcript NM_003776.4 (MANE Select); coding-DNA position 269, C replaced by T.
Protein change: p.Thr90Ile; replaces threonine 90 with isoleucine.
Molecular consequence: missense variant.
Genome position (GRCh38, 1-based): chr22:19,434,867, C>T. VCF-style: chr22-19434867-C-T. GRCh37 (hg19) VCF-style: chr22-19422390-C-T.
Other names: c.137C>T, p.Thr46Ile (NM_001318151.2); short protein forms T46I, T90I.
Identifiers: ClinVar variation 3608817 (VCV003608817.2).

ClinVar aggregate classification (germline): Uncertain significance (1 of 4 stars; one submission).

Submission:

Labcorp Genetics (formerly Invitae), Labcorp
Classification: Uncertain significance. Last evaluated: 2024-11-23. Review status: criteria provided, single submitter. Criteria: Invitae Variant Classification Sherloc (09022015). Collection method: clinical testing. Allele origin: germline.
Comment: This sequence change replaces threonine, which is neutral and polar, with isoleucine, which is neutral and non-polar, at codon 90 of the MRPL40 protein (p.Thr90Ile). This variant is not present in population databases (gnomAD no frequency). This variant has not been reported in the literature in individuals affected with MRPL40-related conditions. An algorithm developed to predict the effect of missense changes on protein structure and function outputs the following: PolyPhen-2: "Benign". The isoleucine amino acid residue is found in multiple mammalian species, which suggests that this missense change does not adversely affect protein function. In summary, the available evidence is currently insufficient to determine the role of this variant in disease. Therefore, it has been classified as a Variant of Uncertain Significance.